The following is an entry in ClinVar:

NM_004646.4(NPHS1):c.3481+2T>C

Gene: NPHS1 (NPHS1 adhesion molecule, nephrin; minus strand). Cytogenetic location: 19q13.12.
Variant type: single nucleotide variant.
Coding change: c.3481+2T>C on transcript NM_004646.4 (MANE Select); the canonical splice donor site of the intron after coding-DNA position 3481, T replaced by C.
Molecular consequence: splice donor variant.
Genome position (GRCh38, 1-based): chr19:35,831,051, A>G on the plus strand (T>C on the coding strand, the complement: NPHS1 is on the minus strand). VCF-style: chr19-35831051-A-G. GRCh37 (hg19) VCF-style: chr19-36321953-A-G.
Identifiers: ClinVar variation 2129692 (VCV002129692.4), dbSNP rs2513754818, ClinGen allele CA405415628.

ClinVar aggregate classification (germline): Pathogenic (1 of 4 stars; one submission).

Submission:

Labcorp Genetics (formerly Invitae), Labcorp
Classification: Pathogenic. Last evaluated: 2022-11-15. Review status: criteria provided, single submitter. Criteria: Invitae Variant Classification Sherloc (09022015). Collection method: clinical testing. Allele origin: germline.
Comment: For these reasons, this variant has been classified as Pathogenic. Algorithms developed to predict the effect of sequence changes on RNA splicing suggest that this variant may disrupt the consensus splice site. Disruption of this splice site has been observed in individuals with nephrotic syndrome (PMID: 20172850, 23949594; Invitae). This variant is not present in population databases (gnomAD no frequency). This sequence change affects a donor splice site in intron 27 of the NPHS1 gene. It is expected to disrupt RNA splicing. Variants that disrupt the donor or acceptor splice site typically lead to a loss of protein function (PMID: 16199547), and loss-of-function variants in NPHS1 are known to be pathogenic (PMID: 11317351, 11854170, 12039988).

Literature cited by the submitters: PubMed 20172850; PubMed 23949594; PubMed 16199547; PubMed 11317351; PubMed 11854170; PubMed 12039988.